The following is an entry in ClinVar:

NM_000091.5(COL4A3):c.2886C>T (p.Phe962=)

Genes: COL4A3 (collagen type IV alpha 3 chain; plus strand), MFF-DT (MFF divergent transcript; minus strand). Cytogenetic location: 2q36.3.
Variant type: single nucleotide variant.
Coding change: c.2886C>T on transcript NM_000091.5 (MANE Select); coding-DNA position 2886, C replaced by T.
Protein change: p.Phe962=; no amino-acid change (phenylalanine 962 retained).
Molecular consequence: synonymous variant.
Genome position (GRCh38, 1-based): chr2:227,289,154, C>T. VCF-style: chr2-227289154-C-T. GRCh37 (hg19) VCF-style: chr2-228153870-C-T.
Identifiers: ClinVar variation 595859 (VCV000595859.57), dbSNP rs77846212, ClinGen allele CA2147056.

ClinVar aggregate classification (germline): Benign/Likely benign. Review status: criteria provided, multiple submitters, no conflicts (2 of 4 stars). 10 submissions from 10 submitters: Benign (2); Likely benign (5). 3 of the submissions do not count toward it. Last evaluated 2026-01-28.

Conditions:
Alport syndrome. Also called: Hemorrhagic familial nephritis; Hemorrhagic hereditary nephritis; Congenital hereditary hematuria. Identifiers: Orphanet 63, MedGen C1567741, MONDO:0018965.

Allele frequency attached by ClinVar (database versions not stated): gnomAD exomes 0.00032 and 0.00081; ESP Exome Variant Server 0.00092; ExAC 0.00105; gnomAD 0.00120 and 0.00123; TOPMed 0.00161; 1000 Genomes Project 30x 0.00219; 1000 Genomes Project 0.00220.
gnomAD v4.1: 685 of 1,612,472 alleles (0.042%); highest among the groups gnomAD compares: African/African-American, 0.38%; 1 homozygote.

Submissions (10):

Labcorp Genetics (formerly Invitae), Labcorp
Classification: Benign. Last evaluated: 2026-01-28. Review status: criteria provided, single submitter. Criteria: Invitae Variant Classification Sherloc (09022015). Collection method: clinical testing. Allele origin: germline.

CeGaT Center for Human Genetics Tuebingen
Classification: Likely benign. Last evaluated: 2025-12-01. Review status: criteria provided, single submitter. Criteria: CeGaT Center For Human Genetics Tuebingen Variant Classification Criteria Version 2. Collection method: clinical testing. Allele origin: germline. Affected: yes. Observed: 2 variant alleles.
Comment: COL4A3: BP4, BP7

Blueprint Genetics
Classification: Likely benign. Last evaluated: 2024-10-29. Review status: criteria provided, single submitter. Criteria: ACMG Guidelines, 2015. Collection method: clinical testing. Allele origin: germline.

ARUP Laboratories, Molecular Genetics and Genomics, ARUP Laboratories
Classification: Likely benign. Last evaluated: 2023-11-03. Review status: criteria provided, single submitter. Criteria: ARUP Molecular Germline Variant Investigation Process 2024. Collection method: clinical testing. Allele origin: germline.

GeneDx
Classification: Likely benign. Last evaluated: 2021-05-15. Review status: criteria provided, single submitter. Criteria: GeneDx Variant Classification Process June 2021. Collection method: clinical testing. Allele origin: germline. Affected: yes.

Eurofins Ntd Llc (ga)
Classification: Likely benign. Last evaluated: 2018-02-04. Review status: criteria provided, single submitter. Criteria: EGL Classification Definitions 2015. Collection method: clinical testing. Allele origin: germline. Observed: 1 variant allele, 1 heterozygote.

Laboratory for Molecular Medicine, Mass General Brigham Personalized Medicine
Classification: Benign. Last evaluated: 2016-03-21. Review status: criteria provided, single submitter. Criteria: LMM Criteria. Collection method: clinical testing. Allele origin: germline. Observed: 1 variant allele.
Comment: p.Phe962Phe in exon 35 of COL4A3: This variant is not expected to have clinical significance because it does not alter an amino acid residue, is not located wit hin the splice consensus sequence, and has been identified in 0.60% (57/9436) of Latino chromosomes by the Exome Aggregation Consortium (ExAC; dbSNP rs77846212).

Natera, Inc.
Classification: Likely benign for Alport syndrome. Last evaluated: 2021-03-04. Review status: no assertion criteria provided. Collection method: clinical testing. Allele origin: germline. Not counted in ClinVar's aggregate classification.

Clinical Genetics DNA and cytogenetics Diagnostics Lab, Erasmus MC, Erasmus Medical Center
Classification: Likely benign. Review status: no assertion criteria provided. Collection method: clinical testing. Allele origin: germline. Affected: yes. Study: VKGL Data-share Consensus. Not counted in ClinVar's aggregate classification.

Joint Genome Diagnostic Labs from Nijmegen and Maastricht, Radboudumc and MUMC+
Classification: Likely benign. Review status: no assertion criteria provided. Collection method: clinical testing. Allele origin: germline. Affected: yes. Study: VKGL Data-share Consensus. Not counted in ClinVar's aggregate classification.